The following is an entry in ClinVar:

ClinVar aggregate classification (germline): Uncertain significance (1 of 4 stars; one submission).

Submission:

Ambry Genetics
Classification: Uncertain significance. Last evaluated: 2025-11-11. Review status: criteria provided, single submitter. Criteria: Ambry Variant Classification Scheme 2023. Collection method: clinical testing. Allele origin: germline.
Comment: The p.D1236E variant (also known as c.3708C>A), located in coding exon 16 of the WNK2 gene, results from a C to A substitution at nucleotide position 3708. The aspartic acid at codon 1236 is replaced by glutamic acid, an amino acid with highly similar properties. This amino acid position is conserved. In addition, this alteration is predicted to be tolerated by in silico analysis. Based on the available evidence, the clinical significance of this variant remains unclear.

NM_006648.4(WNK2):c.3708C>A (p.Asp1236Glu)

Gene: WNK2 (WNK lysine deficient protein kinase 2; plus strand). Cytogenetic location: 9q22.31.
Variant type: single nucleotide variant.
Coding change: c.3708C>A on transcript NM_006648.4 (MANE Select); coding-DNA position 3708, C replaced by A.
Protein change: p.Asp1236Glu; replaces aspartic acid 1236 with glutamic acid.
Molecular consequence: missense variant.
Genome position (GRCh38, 1-based): chr9:93,267,757, C>A. VCF-style: chr9-93267757-C-A. GRCh37 (hg19) VCF-style: chr9-96030039-C-A.
Other names: c.3708C>A, p.Asp1236Glu (NM_001282394.3); short protein forms D1236E.
Identifiers: ClinVar variation 4605358 (VCV004605358.1).
Genomic context (GRCh38, chr9:93,267,757, plus strand): 5'-TGGTCTTGGCCTTGCAGCTGGTCCTCACTGGCAGTATGTCCCTTTGCAGGTGGAGCATGA[C>A]TTTATCCTGCAGGCCGAGCGGGAAACGTTCATCGAGCAGATGAAGGATGTCATGGACAAG-3'
Protein context (NP_006639.3, residues 1226-1246): DEIATYMVEH[Asp1236Glu]FILQAERETF